The following is an entry in ClinVar:

NM_002334.4(LRP4):c.1289G>A (p.Arg430Gln)

Gene: LRP4 (LDL receptor related protein 4; minus strand). Cytogenetic location: 11p11.2.
Variant type: single nucleotide variant.
Coding change: c.1289G>A on transcript NM_002334.4 (MANE Select); coding-DNA position 1289, G replaced by A.
Protein change: p.Arg430Gln; replaces arginine 430 with glutamine.
Molecular consequence: missense variant.
Genome position (GRCh38, 1-based): chr11:46,895,186, C>T on the plus strand (G>A on the coding strand, the complement: LRP4 is on the minus strand). VCF-style: chr11-46895186-C-T. GRCh37 (hg19) VCF-style: chr11-46916737-C-T.
Other names: c.1289G>A (NM_002334.3); short protein forms R430Q.
Identifiers: ClinVar variation 2030481 (VCV002030481.4), dbSNP rs370208609, ClinGen allele CA5970202.

ClinVar aggregate classification (germline): Uncertain significance. Review status: criteria provided, multiple submitters, no conflicts (2 of 4 stars). 3 submissions from 3 submitters: Uncertain significance (3). Last evaluated 2025-08-10.

Conditions:
Cenani-Lenz syndactyly syndrome. Also called: CENANI SYNDACTYLISM; SYNDACTYLY, TYPE VII. Identifiers: Orphanet 3258, MedGen C1859309, MONDO:0008931, OMIM 212780.
Congenital myasthenic syndrome 17. Identifiers: Orphanet 590, MedGen C4225377, MONDO:0014578, OMIM 616304.
Sclerosteosis 2 (SOST2). Identifiers: Orphanet 3152, MedGen C3280402, MONDO:0013679, OMIM 614305.
Inborn genetic diseases. Identifiers: MedGen C0950123, MeSH D030342.

Allele frequency attached by ClinVar (database versions not stated): ExAC 0.00001; gnomAD exomes 0.00001; TOPMed 0.00006; gnomAD 0.00007; ESP Exome Variant Server 0.00015.

Submissions (3):

Ambry Genetics
Classification: Uncertain significance for Inborn genetic diseases. Last evaluated: 2025-08-10. Review status: criteria provided, single submitter. Criteria: Ambry Variant Classification Scheme 2023. Collection method: clinical testing. Allele origin: germline.

Fulgent Genetics
Classification: Uncertain significance for Cenani-Lenz syndactyly syndrome; Sclerosteosis 2; Congenital myasthenic syndrome 17. Last evaluated: 2024-06-03. Review status: criteria provided, single submitter. Criteria: ACMG Guidelines, 2015. Collection method: clinical testing. Allele origin: germline.

Labcorp Genetics (formerly Invitae), Labcorp
Classification: Uncertain significance for Cenani-Lenz syndactyly syndrome; Sclerosteosis 2; Congenital myasthenic syndrome 17. Last evaluated: 2022-02-28. Review status: criteria provided, single submitter. Criteria: Invitae Variant Classification Sherloc (09022015). Collection method: clinical testing. Allele origin: germline.
Comment: In summary, the available evidence is currently insufficient to determine the role of this variant in disease. Therefore, it has been classified as a Variant of Uncertain Significance. Algorithms developed to predict the effect of missense changes on protein structure and function are either unavailable or do not agree on the potential impact of this missense change (SIFT: "Deleterious"; PolyPhen-2: "Benign"; Align-GVGD: "Class C0"). This variant has not been reported in the literature in individuals affected with LRP4-related conditions. This variant is present in population databases (rs370208609, gnomAD 0.01%). This sequence change replaces arginine, which is basic and polar, with glutamine, which is neutral and polar, at codon 430 of the LRP4 protein (p.Arg430Gln).